The following is an entry in ClinVar:

ClinVar aggregate classification (germline): Uncertain significance (1 of 4 stars; one submission).

Submission:

GeneDx
Classification: Uncertain significance. Last evaluated: 2023-12-21. Review status: criteria provided, single submitter. Criteria: GeneDx Variant Classification Process June 2021. Collection method: clinical testing. Allele origin: germline.
Comment: Not observed at significant frequency in large population cohorts (gnomAD); In silico analysis supports that this missense variant does not alter protein structure/function; Has not been previously published as pathogenic or benign to our knowledge; Variants in candidate genes are classified as variants of uncertain significance in accordance with ACMG guidelines (PMID: 25741868)

NM_014709.4(USP34):c.2263C>A (p.His755Asn)

Gene: USP34 (ubiquitin specific peptidase 34; minus strand). Cytogenetic location: 2p15.
Variant type: single nucleotide variant.
Coding change: c.2263C>A on transcript NM_014709.4 (MANE Select); coding-DNA position 2263, C replaced by A.
Protein change: p.His755Asn; replaces histidine 755 with asparagine.
Molecular consequence: missense variant.
Genome position (GRCh38, 1-based): chr2:61,347,892, G>T on the plus strand (C>A on the coding strand, the complement: USP34 is on the minus strand). VCF-style: chr2-61347892-G-T. GRCh37 (hg19) VCF-style: chr2-61575027-G-T.
Other names: short protein forms H755N.
Identifiers: ClinVar variation 4891440 (VCV004891440.1).
Genomic context (GRCh38, chr2:61,347,892, plus strand): 5'-GAAATATGAACTGAATATTTATTTTGAAGTAGGCTTACCCATCGTGGTGGTGGTGATGGT[G>T]GTGGTGGTGGTGGTGATGCTGTGGACCAATAAATTGTCGACAATTAAATAATTCATTCCC-3'
Protein context (NP_055524.3, residues 745-765): IGPQHHHHHH[His755Asn]HHHHHDGHMV